The following is an entry in ClinVar:

NM_000368.5(TSC1):c.1569_1570delinsGTGAA (p.Ser524Ter)

Gene: TSC1 (TSC complex subunit 1; minus strand). Cytogenetic location: 9q34.13.
Variant type: Indel.
Coding change: c.1569_1570delinsGTGAA on transcript NM_000368.5 (MANE Select); coding-DNA positions 1569 to 1570, CT replaced by GTGAA.
Protein change: p.Ser524Ter; replaces serine 524 with a stop codon.
Molecular consequence: nonsense.
Genome position (GRCh38, 1-based): chr9:132,906,008-132,906,009, AG replaced by TTCAC on the plus strand (CT replaced by GTGAA on the coding strand, the reverse complement: TSC1 is on the minus strand). VCF-style: chr9-132906008-AG-TTCAC. GRCh37 (hg19) VCF-style: chr9-135781395-AG-TTCAC.
Other names: c.1566_1567delinsGTGAA, p.Ser523Ter (NM_001162426.2); c.1416_1417delinsGTGAA, p.Ser473Ter (NM_001162427.2); c.1206_1207delinsGTGAA, p.Ser403Ter (NM_001362177.2); short protein forms S403*, S473*, S523*, S524*.
Identifiers: ClinVar variation 1256473 (VCV001256473.1), dbSNP rs2131841336, ClinGen allele CA2499219714.

ClinVar aggregate classification (germline): Likely pathogenic (1 of 4 stars; one submission).

Submission:

Athena Diagnostics
Classification: Likely pathogenic. Last evaluated: 2021-04-30. Review status: criteria provided, single submitter. Criteria: Athena Diagnostics criteria. Collection method: clinical testing. Allele origin: unknown.
Comment: This variant is expected to result in the loss of a functional protein. This variant has not been reported in large, multi-ethnic general populations.